The following is an entry in ClinVar:

NM_199420.4(POLQ):c.4138C>T (p.His1380Tyr)

Gene: POLQ (DNA polymerase theta; minus strand). Cytogenetic location: 3q13.33.
Variant type: single nucleotide variant.
Coding change: c.4138C>T on transcript NM_199420.4 (MANE Select); coding-DNA position 4138, C replaced by T.
Protein change: p.His1380Tyr; replaces histidine 1380 with tyrosine.
Molecular consequence: missense variant.
Genome position (GRCh38, 1-based): chr3:121,488,793, G>A on the plus strand (C>T on the coding strand, the complement: POLQ is on the minus strand). VCF-style: chr3-121488793-G-A. GRCh37 (hg19) VCF-style: chr3-121207640-G-A.
Other names: short protein forms H1380Y.
Identifiers: ClinVar variation 1738127 (VCV001738127.3), dbSNP rs1204227871, ClinGen allele CA354096018.

ClinVar aggregate classification (germline): Uncertain significance (1 of 4 stars; one submission).

Submission:

Ambry Genetics
Classification: Uncertain significance. Last evaluated: 2024-10-26. Review status: criteria provided, single submitter. Criteria: Ambry Variant Classification Scheme 2023. Collection method: clinical testing. Allele origin: germline.
Comment: The p.H1380Y variant (also known as c.4138C>T), located in coding exon 16 of the POLQ gene, results from a C to T substitution at nucleotide position 4138. The histidine at codon 1380 is replaced by tyrosine, an amino acid with similar properties. This amino acid position is conserved. In addition, this alteration is predicted to be tolerated by in silico analysis. Since supporting evidence is limited at this time, the clinical significance of this alteration remains unclear.